The following is an entry in ClinVar:

NM_017654.4(SAMD9):c.121G>C (p.Val41Leu)

Gene: SAMD9 (sterile alpha motif domain containing 9; minus strand). Cytogenetic location: 7q21.2.
Variant type: single nucleotide variant.
Coding change: c.121G>C on transcript NM_017654.4 (MANE Select); coding-DNA position 121, G replaced by C.
Protein change: p.Val41Leu; replaces valine 41 with leucine.
Molecular consequence: missense variant.
Genome position (GRCh38, 1-based): chr7:93,105,977, C>G on the plus strand (G>C on the coding strand, the complement: SAMD9 is on the minus strand). VCF-style: chr7-93105977-C-G. GRCh37 (hg19) VCF-style: chr7-92735290-C-G.
Other names: c.121G>C (NM_017654.3); c.121G>C, p.Val41Leu (NM_001193307.2); short protein forms V41L.
Identifiers: ClinVar variation 2969275 (VCV002969275.4), dbSNP rs375408867, ClinGen allele CA161995351.

ClinVar aggregate classification (germline): Uncertain significance. Review status: criteria provided, multiple submitters, no conflicts (2 of 4 stars). 2 submissions from 2 submitters: Uncertain significance (2). Last evaluated 2025-02-23.

Conditions:
SAMD9-related disorder. Also called: SAMD9-related condition.

gnomAD v4.1: 23 of 1,597,462 alleles (0.0014%); highest among the groups gnomAD compares: Non-Finnish European, 0.0019%; no homozygotes.

Submissions (2):

Labcorp Genetics (formerly Invitae), Labcorp
Classification: Uncertain significance. Last evaluated: 2025-02-23. Review status: criteria provided, single submitter. Criteria: Invitae Variant Classification Sherloc (09022015). Collection method: clinical testing. Allele origin: germline.
Comment: This sequence change replaces valine, which is neutral and non-polar, with leucine, which is neutral and non-polar, at codon 41 of the SAMD9 protein (p.Val41Leu). This variant is present in population databases (rs375408867, gnomAD 0.002%). This variant has not been reported in the literature in individuals affected with SAMD9-related conditions. ClinVar contains an entry for this variant (Variation ID: 2969275). Invitae Evidence Modeling of protein sequence and biophysical properties (such as structural, functional, and spatial information, amino acid conservation, physicochemical variation, residue mobility, and thermodynamic stability) indicates that this missense variant is not expected to disrupt SAMD9 protein function with a negative predictive value of 95%. In summary, the available evidence is currently insufficient to determine the role of this variant in disease. Therefore, it has been classified as a Variant of Uncertain Significance.

PreventionGenetics, part of Exact Sciences
Classification: Uncertain significance for SAMD9-related condition. Last evaluated: 2024-10-12. Review status: criteria provided, single submitter. Criteria: ACMG Guidelines, 2015. Collection method: clinical testing. Allele origin: germline.
Comment: The SAMD9 c.121G>C variant is predicted to result in the amino acid substitution p.Val41Leu. To our knowledge, this variant has not been reported in the literature. This variant is reported in 0.0018% of alleles in individuals of European (Non-Finnish) descent in gnomAD. At this time, the clinical significance of this variant is uncertain due to the absence of conclusive functional and genetic evidence.